The following is an entry in ClinVar:

NM_004104.5(FASN):c.4268G>A (p.Arg1423His)

Gene: FASN (fatty acid synthase; minus strand). Cytogenetic location: 17q25.3.
Variant type: single nucleotide variant.
Coding change: c.4268G>A on transcript NM_004104.5 (MANE Select); coding-DNA position 4268, G replaced by A.
Protein change: p.Arg1423His; replaces arginine 1423 with histidine.
Molecular consequence: missense variant.
Genome position (GRCh38, 1-based): chr17:82,085,257, C>T on the plus strand (G>A on the coding strand, the complement: FASN is on the minus strand). VCF-style: chr17-82085257-C-T. GRCh37 (hg19) VCF-style: chr17-80043133-C-T.
Other names: short protein forms R1423H.
Identifiers: ClinVar variation 2159731 (VCV002159731.4), dbSNP rs748110849, ClinGen allele CA8852129.
Genomic context (GRCh38, chr17:82,085,257, plus strand): 5'-TGGGAGGTGGGGTGGGGCCTGGAGGTGGGGCAGGGCCTGACCTTCAGAGACTCCACCCAG[C>T]GGAAGCTGGTATCGTCCACCGGCAGGAAGATGGGGCTGTCCTGCGGGGTGGGCCGGCGGC-3'
Protein context (NP_004095.4, residues 1413-1433): IFLPVDDTSF[Arg1423His]WVESLKGILA

ClinVar aggregate classification (germline): Uncertain significance (1 of 4 stars; one submission).

Conditions:
Epileptic encephalopathy. Identifiers: MedGen C0543888, HP:0200134.

Allele frequency attached by ClinVar (database versions not stated): ExAC 0.00001.
gnomAD v4.1: 20 of 1,611,440 alleles (0.0012%); highest among the groups gnomAD compares: East Asian, 0.0022%; no homozygotes.

Submission:

Labcorp Genetics (formerly Invitae), Labcorp
Classification: Uncertain significance for Epileptic encephalopathy. Last evaluated: 2025-10-02. Review status: criteria provided, single submitter. Criteria: Invitae Variant Classification Sherloc (09022015). Collection method: clinical testing. Allele origin: germline.
Comment: This sequence change replaces arginine, which is basic and polar, with histidine, which is basic and polar, at codon 1423 of the FASN protein (p.Arg1423His). This variant is present in population databases (rs748110849, gnomAD 0.007%). This variant has not been reported in the literature in individuals affected with FASN-related conditions. ClinVar contains an entry for this variant (Variation ID: 2159731). An algorithm developed to predict the effect of missense changes on protein structure and function (PolyPhen-2) suggests that this variant is likely to be tolerated. In summary, the available evidence is currently insufficient to determine the role of this variant in disease. Therefore, it has been classified as a Variant of Uncertain Significance.